The following is an entry in ClinVar:

ClinVar aggregate classification (germline): Uncertain significance (1 of 4 stars; one submission).

Submission:

Labcorp Genetics (formerly Invitae), Labcorp
Classification: Uncertain significance. Last evaluated: 2022-09-01. Review status: criteria provided, single submitter. Criteria: Invitae Variant Classification Sherloc (09022015). Collection method: clinical testing. Allele origin: germline.
Comment: This variant is not present in population databases (gnomAD no frequency). In summary, the available evidence is currently insufficient to determine the role of this variant in disease. Therefore, it has been classified as a Variant of Uncertain Significance. Algorithms developed to predict the effect of missense changes on protein structure and function (SIFT, PolyPhen-2, Align-GVGD) all suggest that this variant is likely to be tolerated. ClinVar contains an entry for this variant (Variation ID: 1347812). This variant has not been reported in the literature in individuals affected with RUSC2-related conditions. This sequence change replaces phenylalanine, which is neutral and non-polar, with serine, which is neutral and polar, at codon 329 of the RUSC2 protein (p.Phe329Ser).

NM_014806.5(RUSC2):c.986T>C (p.Phe329Ser)

Gene: RUSC2 (RUN and SH3 domain containing 2; plus strand). Cytogenetic location: 9p13.3.
Variant type: single nucleotide variant.
Coding change: c.986T>C on transcript NM_014806.5 (MANE Select); coding-DNA position 986, T replaced by C.
Protein change: p.Phe329Ser; replaces phenylalanine 329 with serine.
Molecular consequence: missense variant. On other transcripts: non-coding transcript variant (1), intron variant (1).
Genome position (GRCh38, 1-based): chr9:35,547,507, T>C. VCF-style: chr9-35547507-T-C. GRCh37 (hg19) VCF-style: chr9-35547504-T-C.
Other names: c.986T>C, p.Phe329Ser (NM_001135999.2); c.-620-7553T>C (NM_001330740.2); short protein forms F329S.
Identifiers: ClinVar variation 1347812 (VCV001347812.8), dbSNP rs1166043719, ClinGen allele CA373330063.